The following is an entry in ClinVar:

NM_016035.5(COQ4):c.202+198G>T

Gene: COQ4 (coenzyme Q4; plus strand). Cytogenetic location: 9q34.11.
Variant type: single nucleotide variant.
Coding change: c.202+198G>T on transcript NM_016035.5 (MANE Select); 198 bases into the intron after coding-DNA position 202, G replaced by T.
Molecular consequence: intron variant.
Genome position (GRCh38, 1-based): chr9:128,323,345, G>T. VCF-style: chr9-128323345-G-T. GRCh37 (hg19) VCF-style: chr9-131085624-G-T.
Other names: NC_000009.11:g.131085624G>T; c.202+198G>T (NM_001305942.2).
Identifiers: ClinVar variation 683559 (VCV000683559.3), dbSNP rs7880, ClinGen allele CA5260454.

ClinVar aggregate classification (germline): Benign. Review status: criteria provided, multiple submitters, no conflicts (2 of 4 stars). 2 submissions from 2 submitters: Benign (2). Last evaluated 2018-06-14.

Allele frequency attached by ClinVar (database versions not stated): gnomAD exomes 0.06513 and 0.07774; 1000 Genomes Project 0.16154; gnomAD 0.16706 and 0.17585; 1000 Genomes Project 30x 0.17270; TOPMed 0.18007; ExAC 0.18182.
gnomAD v4.1: 54,674 of 594,530 alleles (9.2%); highest among the groups gnomAD compares: African/African-American, 44%; 6,208 homozygotes.

Submissions (5):

GeneDx
Classification: Benign. Last evaluated: 2018-06-14. Review status: criteria provided, single submitter. Criteria: GeneDx Variant Classification (06012015). Collection method: clinical testing. Allele origin: germline. Affected: yes.
Comment: This variant is considered likely benign or benign based on one or more of the following criteria: it is a conservative change, it occurs at a poorly conserved position in the protein, it is predicted to be benign by multiple in silico algorithms, and/or has population frequency not consistent with disease.

Breakthrough Genomics
Classification: Benign. Review status: criteria provided, single submitter. Criteria: ACMG Guidelines, 2015. Collection method: not provided. Allele origin: germline. Inheritance: Autosomal recessive inheritance. Affected: yes.

Dr. Peter K. Rogan Lab, Western University
No classification provided (evidence only). Condition: Lung cancer. Review status: no classification provided. Collection method: in vitro. Allele origin: not applicable. Functional consequence: retained intron. Not counted in ClinVar's aggregate classification.

Dr. Peter K. Rogan Lab, Western University
No classification provided (evidence only). Condition: Acute myeloid leukemia. Review status: no classification provided. Collection method: in vitro. Allele origin: not applicable. Functional consequence: retained intron. Not counted in ClinVar's aggregate classification.

Dr. Peter K. Rogan Lab, Western University
No classification provided (evidence only). Condition: Sarcoma. Review status: no classification provided. Collection method: in vitro. Allele origin: not applicable. Functional consequence: retained intron. Not counted in ClinVar's aggregate classification.